The following is an entry in ClinVar:

ClinVar aggregate classification (germline): Uncertain significance (1 of 4 stars; one submission).

gnomAD v4.1: 2 of 1,614,024 alleles (0.00012%); highest among the groups gnomAD compares: Non-Finnish European, 0.00017%; no homozygotes.

Submission:

Labcorp Genetics (formerly Invitae), Labcorp
Classification: Uncertain significance. Last evaluated: 2025-11-03. Review status: criteria provided, single submitter. Criteria: Invitae Variant Classification Sherloc (09022015). Collection method: clinical testing. Allele origin: germline.
Comment: This sequence change replaces proline, which is neutral and non-polar, with serine, which is neutral and polar, at codon 2437 of the DMXL2 protein (p.Pro2437Ser). This variant is not present in population databases (gnomAD no frequency). This variant has not been reported in the literature in individuals affected with DMXL2-related conditions. An algorithm developed to predict the effect of missense changes on protein structure and function (PolyPhen-2) suggests that this variant is likely to be tolerated. In summary, the available evidence is currently insufficient to determine the role of this variant in disease. Therefore, it has been classified as a Variant of Uncertain Significance.

NM_001378457.1(DMXL2):c.7309C>T (p.Pro2437Ser)

Gene: DMXL2 (Dmx like 2; minus strand). Cytogenetic location: 15q21.2.
Variant type: single nucleotide variant.
Coding change: c.7309C>T on transcript NM_001378457.1 (MANE Select); coding-DNA position 7309, C replaced by T.
Protein change: p.Pro2437Ser; replaces proline 2437 with serine.
Molecular consequence: missense variant. On other transcripts: non-coding transcript variant (2).
Genome position (GRCh38, 1-based): chr15:51,471,306, G>A on the plus strand (C>T on the coding strand, the complement: DMXL2 is on the minus strand). VCF-style: chr15-51471306-G-A. GRCh37 (hg19) VCF-style: chr15-51763503-G-A.
Other names: c.7306C>T, p.Pro2436Ser (NM_015263.5, NM_001378462.1, NM_001378458.1); c.7309C>T, p.Pro2437Ser (NM_001378459.1, NM_001378461.1, NM_001378463.1 and 1 more transcripts); c.5287C>T, p.Pro1763Ser (NM_001378460.1); c.7066C>T, p.Pro2356Ser (NM_001378464.1); c.5398C>T, p.Pro1800Ser (NM_001174117.3); short protein forms P1800S, P2437S, P1763S, P2356S, P2436S.
Identifiers: ClinVar variation 4760337 (VCV004760337.1).
Genomic context (GRCh38, chr15:51,471,306, plus strand): 5'-TACTAAGTTCGGGAGGAATAAATTTTTCTTTGTAAGATGGTCTTTCTGCAGGCACCGGTG[G>A]TGGGGTAGCATCTTTTACAGGCCTTCCAGGGACGAGCATTCTCATGTTAAATCTCCTACG-3'
Protein context (NP_001365386.1, residues 2427-2447): PGRPVKDATP[Pro2437Ser]PVPAERPSYK